The following is an entry in ClinVar:

ClinVar aggregate classification (germline): Uncertain significance. Review status: criteria provided, multiple submitters, no conflicts (2 of 4 stars). 2 submissions from 2 submitters: Uncertain significance (2). Last evaluated 2024-03-06.

Conditions:
Classic or attenuated familial adenomatous polyposis. Identifiers: MedGen CN372698, MONDO:0021057.
Hereditary cancer-predisposing syndrome. Also called: Hereditary neoplastic syndrome; Hereditary Cancer Syndrome; Neoplastic Syndromes, Hereditary; Tumor predisposition. Identifiers: Orphanet 140162, MedGen C0027672, MeSH D009386, MONDO:0015356.

Submissions (2):

Ambry Genetics
Classification: Uncertain significance for Hereditary cancer-predisposing syndrome. Last evaluated: 2024-03-06. Review status: criteria provided, single submitter. Criteria: Ambry Variant Classification Scheme 2023. Collection method: clinical testing. Allele origin: germline.
Comment: The p.N2811K variant (also known as c.8433C>G), located in coding exon 15 of the APC gene, results from a C to G substitution at nucleotide position 8433. The asparagine at codon 2811 is replaced by lysine, an amino acid with similar properties. This amino acid position is conserved. In addition, in silico predictors for this gene do not accurately predict pathogenicity. Based on the available evidence, the clinical significance of this alteration remains unclear.

All of Us Research Program, National Institutes of Health
Classification: Uncertain significance for Classic or attenuated familial adenomatous polyposis. Last evaluated: 2023-12-13. Review status: criteria provided, single submitter. Criteria: ACMG Guidelines, 2015. Collection method: clinical testing. Allele origin: germline. Inheritance: Autosomal dominant inheritance. Observed: 1 variant allele, 1 heterozygote.
Comment: This missense variant replaces asparagine with lysine at codon 2811 of the APC protein. Computational prediction suggests that this variant may not impact protein structure and function (internally defined REVEL score threshold <= 0.5, PMID: 27666373). To our knowledge, functional studies have not been reported for this variant. This variant has not been reported in individuals affected with APC-related disorders in the literature. This variant has not been identified in the general population by the Genome Aggregation Database (gnomAD). The available evidence is insufficient to determine the role of this variant in disease conclusively. Therefore, this variant is classified as a Variant of Uncertain Significance.

This study involves interpretation of variants in research participants for the purpose of population health screening. Participant phenotype was not available at the time of variant classification. Additional details can be found in publication PMID: 35346344, PMCID: PMC8962531

NM_000038.6(APC):c.8433C>G (p.Asn2811Lys)

Gene: APC (APC regulator of Wnt signaling pathway; plus strand). Cytogenetic location: 5q22.2.
Variant type: single nucleotide variant.
Coding change: c.8433C>G on transcript NM_000038.6 (MANE Select); coding-DNA position 8433, C replaced by G.
Protein change: p.Asn2811Lys; replaces asparagine 2811 with lysine.
Molecular consequence: missense variant. On other transcripts: non-coding transcript variant (2).
Genome position (GRCh38, 1-based): chr5:112,844,027, C>G. VCF-style: chr5-112844027-C-G. GRCh37 (hg19) VCF-style: chr5-112179724-C-G.
Other names: c.8433C>G, p.Asn2811Lys (NM_001127510.3, NM_001354895.2, NM_001407450.1); c.8379C>G, p.Asn2793Lys (NM_001127511.3); c.8487C>G, p.Asn2829Lys (NM_001354896.2, NM_001407447.1, NM_001407448.1 and 1 more transcripts); c.8463C>G, p.Asn2821Lys (NM_001354897.2); c.8358C>G, p.Asn2786Lys (NM_001354898.2); c.8349C>G, p.Asn2783Lys (NM_001354899.2); c.8310C>G, p.Asn2770Lys (NM_001354900.2); c.8256C>G, p.Asn2752Lys (NM_001354901.2, NM_001407453.1); and 12 more; short protein forms N2427K, N2528K, N2651K, N2682K, N2685K, N2710K, N2720K, N2728K.
Identifiers: ClinVar variation 3072450 (VCV003072450.2), dbSNP rs864622247, ClinGen allele CA16039628.
Genomic context (GRCh38, chr5:112,844,027, plus strand): 5'-GAAAAGCAGCGCAGATAGCACTTCAGCTCGGCCATCTCAGATCCCAACTCCAGTGAATAA[C>G]AACACAAAGAAGCGAGATTCCAAAACTGACAGCACAGAATCCAGTGGAACCCAAAGTCCT-3'
Protein context (NP_000029.2, residues 2801-2821): RPSQIPTPVN[Asn2811Lys]NTKKRDSKTD